The following is an entry in ClinVar:

NM_024642.5(GALNT12):c.39A>G (p.Glu13=)

Gene: GALNT12 (polypeptide N-acetylgalactosaminyltransferase 12; plus strand). Cytogenetic location: 9q22.33.
Variant type: single nucleotide variant.
Coding change: c.39A>G on transcript NM_024642.5 (MANE Select); coding-DNA position 39, A replaced by G.
Protein change: p.Glu13=; no amino-acid change (glutamic acid 13 retained).
Molecular consequence: synonymous variant.
Genome position (GRCh38, 1-based): chr9:98,807,737, A>G. VCF-style: chr9-98807737-A-G. GRCh37 (hg19) VCF-style: chr9-101570019-A-G.
Identifiers: ClinVar variation 4875691 (VCV004875691.1).
Genomic context (GRCh38, chr9:98,807,737, plus strand): 5'-GCTGGCTGCAGTTGGCGGGCGCATGTGGGGGCGCACGGCGCGGCGGCGCTGCCCGCGGGA[A>G]CTGCGGCGCGGCCGGGAGGCGCTGTTGGTGCTCCTGGCGCTACTGGCGTTGGCCGGGCTG-3'
Protein context (NP_078918.3, residues 3-23): GRTARRRCPR[Glu13=]LRRGREALLV

ClinVar aggregate classification (germline): Benign (1 of 4 stars; one submission).

Conditions:
Colorectal cancer, susceptibility to, 1. Also called: COLORECTAL ADENOMA AND CANCER, SUSCEPTIBILITY TO; COLORECTAL CANCER, SUSCEPTIBILITY TO, ON CHROMOSOME 9. Identifiers: MedGen C1837315, MONDO:0012132, OMIM 608812.

Submission:

Myriad Genetics, Inc.
Classification: Benign for Colorectal cancer, susceptibility to, 1. Last evaluated: 2026-04-22. Review status: criteria provided, single submitter. Criteria: Myriad Autosomal Dominant, Autosomal Recessive and X-Linked Classification Criteria (2023). Collection method: clinical testing. Allele origin: unknown.
Comment: This variant is considered benign. This variant is a silent/synonymous amino acid change and it is not expected to impact splicing.